The following is an entry in ClinVar:

NM_199420.4(POLQ):c.5203A>G (p.Ile1735Val)

Gene: POLQ (DNA polymerase theta; minus strand). Cytogenetic location: 3q13.33.
Variant type: single nucleotide variant.
Coding change: c.5203A>G on transcript NM_199420.4 (MANE Select); coding-DNA position 5203, A replaced by G.
Protein change: p.Ile1735Val; replaces isoleucine 1735 with valine.
Molecular consequence: missense variant.
Genome position (GRCh38, 1-based): chr3:121,487,728, T>C on the plus strand (A>G on the coding strand, the complement: POLQ is on the minus strand). VCF-style: chr3-121487728-T-C. GRCh37 (hg19) VCF-style: chr3-121206575-T-C.
Other names: short protein forms I1735V.
Identifiers: ClinVar variation 3308502 (VCV003308502.1).

ClinVar aggregate classification (germline): Uncertain significance (1 of 4 stars; one submission).

Submission:

Ambry Genetics
Classification: Uncertain significance. Last evaluated: 2024-05-25. Review status: criteria provided, single submitter. Criteria: Ambry Variant Classification Scheme 2023. Collection method: clinical testing. Allele origin: germline.
Comment: The p.I1735V variant (also known as c.5203A>G), located in coding exon 16 of the POLQ gene, results from an A to G substitution at nucleotide position 5203. The isoleucine at codon 1735 is replaced by valine, an amino acid with highly similar properties. This amino acid position is conserved. In addition, this alteration is predicted to be tolerated by in silico analysis. Based on the available evidence, the clinical significance of this variant remains unclear.